The following is an entry in ClinVar:

NM_206933.4(USH2A):c.15237G>C (p.Leu5079Phe)

Gene: USH2A (usherin; minus strand). Cytogenetic location: 1q41.
Variant type: single nucleotide variant.
Coding change: c.15237G>C on transcript NM_206933.4 (MANE Select); coding-DNA position 15237, G replaced by C.
Protein change: p.Leu5079Phe; replaces leucine 5079 with phenylalanine.
Molecular consequence: missense variant.
Genome position (GRCh38, 1-based): chr1:215,634,519, C>G on the plus strand (G>C on the coding strand, the complement: USH2A is on the minus strand). VCF-style: chr1-215634519-C-G. GRCh37 (hg19) VCF-style: chr1-215807861-C-G.
Other names: short protein forms L5079F.
Identifiers: ClinVar variation 2134597 (VCV002134597.4), dbSNP rs748666515, ClinGen allele CA344823551.

ClinVar aggregate classification (germline): Uncertain significance (1 of 4 stars; one submission).

Submission:

Labcorp Genetics (formerly Invitae), Labcorp
Classification: Uncertain significance. Last evaluated: 2022-05-06. Review status: criteria provided, single submitter. Criteria: Invitae Variant Classification Sherloc (09022015). Collection method: clinical testing. Allele origin: germline.
Comment: In summary, the available evidence is currently insufficient to determine the role of this variant in disease. Therefore, it has been classified as a Variant of Uncertain Significance. Algorithms developed to predict the effect of missense changes on protein structure and function are either unavailable or do not agree on the potential impact of this missense change (SIFT: "Deleterious"; PolyPhen-2: "Probably Damaging"; Align-GVGD: "Class C0"). This variant has not been reported in the literature in individuals affected with USH2A-related conditions. This variant is not present in population databases (gnomAD no frequency). This sequence change replaces leucine, which is neutral and non-polar, with phenylalanine, which is neutral and non-polar, at codon 5079 of the USH2A protein (p.Leu5079Phe).